The following is an entry in ClinVar:

NM_002291.3(LAMB1):c.4373T>G (p.Val1458Gly)

Gene: LAMB1 (laminin subunit beta 1; minus strand). Cytogenetic location: 7q31.1.
Variant type: single nucleotide variant.
Coding change: c.4373T>G on transcript NM_002291.3 (MANE Select); coding-DNA position 4373, T replaced by G.
Protein change: p.Val1458Gly; replaces valine 1458 with glycine.
Molecular consequence: missense variant.
Genome position (GRCh38, 1-based): chr7:107,932,193, A>C on the plus strand (T>G on the coding strand, the complement: LAMB1 is on the minus strand). VCF-style: chr7-107932193-A-C. GRCh37 (hg19) VCF-style: chr7-107572638-A-C.
Other names: short protein forms V1458G.
Identifiers: ClinVar variation 2631862 (VCV002631862.1), dbSNP rs763014067, ClinGen allele CA4435062.

ClinVar aggregate classification (germline): Uncertain significance (1 of 4 stars; one submission).

Conditions:
LAMB1-related disorder. Also called: LAMB1-related condition.

Allele frequency attached by ClinVar (database versions not stated): ExAC 0.00001; gnomAD 0.00001; gnomAD exomes 0.00001; TOPMed 0.00002.
gnomAD v4.1: 14 of 1,614,112 alleles (0.00087%); highest among the groups gnomAD compares: East Asian, 0.02%; no homozygotes.

Submission:

PreventionGenetics, part of Exact Sciences
Classification: Uncertain significance for LAMB1-related condition. Last evaluated: 2022-10-21. Review status: criteria provided, single submitter. Criteria: ACMG Guidelines, 2015. Collection method: clinical testing. Allele origin: germline.
Comment: The LAMB1 c.4373T>G variant is predicted to result in the amino acid substitution p.Val1458Gly. To our knowledge, this variant has not been reported in the literature. This variant is reported in 0.025% of alleles in individuals of East Asian descent in gnomAD. At this time, the clinical significance of this variant is uncertain due to the absence of conclusive functional and genetic evidence.